The following is an entry in ClinVar:

ClinVar aggregate classification (germline): Conflicting classifications of pathogenicity. Review status: criteria provided, conflicting classifications (1 of 4 stars). 2 submissions from 2 submitters: Uncertain significance (1); Likely benign (1). Last evaluated 2023-07-18.

Conditions:
Hereditary cancer-predisposing syndrome. Also called: Neoplastic Syndromes, Hereditary; Tumor predisposition; Hereditary Cancer Syndrome; Hereditary neoplastic syndrome. Identifiers: Orphanet 140162, MedGen C0027672, MeSH D009386, MONDO:0015356.

Allele frequency attached by ClinVar (database versions not stated): gnomAD exomes below 0.00001.
gnomAD v4.1: 1 of 1,613,940 alleles (0.000062%); highest among the groups gnomAD compares: Non-Finnish European, 0.000085%; no homozygotes.

Submissions (2):

Ambry Genetics
Classification: Uncertain significance for Hereditary cancer-predisposing syndrome. Last evaluated: 2023-07-18. Review status: criteria provided, single submitter. Criteria: Ambry Variant Classification Scheme 2023. Collection method: clinical testing. Allele origin: germline.
Comment: The p.N1081D variant (also known as c.3241A>G), located in coding exon 9 of the BRCA1 gene, results from an A to G substitution at nucleotide position 3241. The asparagine at codon 1081 is replaced by aspartic acid, an amino acid with highly similar properties. This amino acid position is not well conserved in available vertebrate species. In addition, the in silico prediction for this alteration is inconclusive. Since supporting evidence is limited at this time, the clinical significance of this alteration remains unclear.

University of Washington Department of Laboratory Medicine, University of Washington
Classification: Likely benign for Hereditary cancer-predisposing syndrome. Last evaluated: 2023-03-23. Review status: criteria provided, single submitter. Criteria: Dines et al. (Genet Med. 2020). Collection method: curation. Allele origin: germline.
Comment: Missense variant in a coldspot region where missense variants are very unlikely to be pathogenic (PMID:31911673).

BRCA1 coldspot (exon 11 using historical exon numbering). Reclassification based on statistical prior probability

NM_007294.4(BRCA1):c.3241A>G (p.Asn1081Asp)

Genes: BRCA1 (BRCA1 DNA repair associated; minus strand), LOC126862571 (BRD4-independent group 4 enhancer GRCh37_chr17:41243136-41244335; plus strand). Cytogenetic location: 17q21.31.
Variant type: single nucleotide variant.
Coding change: c.3241A>G on transcript NM_007294.4 (MANE Select); coding-DNA position 3241, A replaced by G.
Protein change: p.Asn1081Asp; replaces asparagine 1081 with aspartic acid.
Molecular consequence: missense variant. On other transcripts: intron variant (137).
Genome position (GRCh38, 1-based): chr17:43,092,290, T>C on the plus strand (A>G on the coding strand, the complement: BRCA1 is on the minus strand). VCF-style: chr17-43092290-T-C. GRCh37 (hg19) VCF-style: chr17-41244307-T-C.
Other names: c.788-1258A>G (NM_001407974.1, NM_001407973.1, NM_001408403.1 and 17 more transcripts); c.788-151A>G (NM_001407969.1, NM_001407968.1); c.578-1258A>G (NM_001408492.1, NM_001408513.1, NM_001408489.1 and 9 more transcripts); c.644-1258A>G (NM_001408468.1, NM_001408465.1, NM_001408463.1 and 3 more transcripts); c.524-1258A>G (NM_001408501.1, NM_001408500.1, NM_001408497.1 and 3 more transcripts); c.647-1258A>G (NM_001408455.1, NM_001408466.1, NM_001408452.1 and 11 more transcripts); c.521-1258A>G (NM_001408503.1, NM_001408505.1, NM_001408504.1); c.404-1258A>G (NM_001408511.1); and 41 more; short protein forms N1081D, N1034D, N1013D, N1039D, N1080D, N953D, N969D, N1011D.
Identifiers: ClinVar variation 232694 (VCV000232694.9), dbSNP rs876659928, ClinGen allele CA10580572.